The following is an entry in ClinVar:

NM_001384140.1(PCDH15):c.3542A>G (p.Tyr1181Cys)

Gene: PCDH15 (protocadherin related 15; minus strand). Cytogenetic location: 10q21.1.
Variant type: single nucleotide variant.
Coding change: c.3542A>G on transcript NM_001384140.1 (MANE Select); coding-DNA position 3542, A replaced by G.
Protein change: p.Tyr1181Cys; replaces tyrosine 1181 with cysteine.
Molecular consequence: missense variant.
Genome position (GRCh38, 1-based): chr10:53,866,817, T>C on the plus strand (A>G on the coding strand, the complement: PCDH15 is on the minus strand). VCF-style: chr10-53866817-T-C. GRCh37 (hg19) VCF-style: chr10-55626577-T-C.
Other names: c.3557A>G, p.Tyr1186Cys (NM_001142763.2, NM_001142771.2); c.3542A>G, p.Tyr1181Cys (NM_001142764.2, NM_001142766.2, NM_001142770.3 and 4 more transcripts); c.3329A>G, p.Tyr1110Cys (NM_001142765.2); c.3431A>G, p.Tyr1144Cys (NM_001142767.2); c.3476A>G, p.Tyr1159Cys (NM_001142768.2, NM_001142773.2, NM_001354404.2); c.3578A>G, p.Tyr1193Cys (NM_001142769.4); c.3563A>G, p.Tyr1188Cys (NM_001354411.2); short protein forms Y1159C, Y1144C, Y1181C, Y1188C, Y1193C, Y1110C, Y1186C.
Identifiers: ClinVar variation 1418087 (VCV001418087.5), dbSNP rs2079491172, ClinGen allele CA376518130.

ClinVar aggregate classification (germline): Uncertain significance (1 of 4 stars; one submission).

Allele frequency attached by ClinVar (database versions not stated): TOPMed below 0.00001.

Submission:

Labcorp Genetics (formerly Invitae), Labcorp
Classification: Uncertain significance. Last evaluated: 2021-08-31. Review status: criteria provided, single submitter. Criteria: Invitae Variant Classification Sherloc (09022015). Collection method: clinical testing. Allele origin: germline.
Comment: This sequence change replaces tyrosine with cysteine at codon 1181 of the PCDH15 protein (p.Tyr1181Cys). The tyrosine residue is highly conserved and there is a large physicochemical difference between tyrosine and cysteine. This variant is not present in population databases (ExAC no frequency). This variant has not been reported in the literature in individuals affected with PCDH15-related conditions. Algorithms developed to predict the effect of missense changes on protein structure and function (SIFT, PolyPhen-2, Align-GVGD) all suggest that this variant is likely to be disruptive. In summary, the available evidence is currently insufficient to determine the role of this variant in disease. Therefore, it has been classified as a Variant of Uncertain Significance.